The following is an entry in ClinVar:

NM_006766.5(KAT6A):c.4916T>C (p.Val1639Ala)

Gene: KAT6A (lysine acetyltransferase 6A; minus strand). Cytogenetic location: 8p11.21.
Variant type: single nucleotide variant.
Coding change: c.4916T>C on transcript NM_006766.5 (MANE Select); coding-DNA position 4916, T replaced by C.
Protein change: p.Val1639Ala; replaces valine 1639 with alanine.
Molecular consequence: missense variant.
Genome position (GRCh38, 1-based): chr8:41,933,304, A>G on the plus strand (T>C on the coding strand, the complement: KAT6A is on the minus strand). VCF-style: chr8-41933304-A-G. GRCh37 (hg19) VCF-style: chr8-41790822-A-G.
Other names: short protein forms V1639A.
Identifiers: ClinVar variation 3362214 (VCV003362214.1).

ClinVar aggregate classification (germline): Uncertain significance (1 of 4 stars; one submission).

gnomAD v4.1: 1 of 1,579,144 alleles (0.000063%); highest among the groups gnomAD compares: Non-Finnish European, 0.000086%; no homozygotes.

Submission:

GeneDx
Classification: Uncertain significance. Last evaluated: 2023-05-26. Review status: criteria provided, single submitter. Criteria: GeneDx Variant Classification Process June 2021. Collection method: clinical testing. Allele origin: germline. Affected: yes.
Comment: Not observed at significant frequency in large population cohorts (gnomAD); In silico analysis supports that this missense variant has a deleterious effect on protein structure/function; Has not been previously published as pathogenic or benign to our knowledge